The following is an entry in ClinVar:

NM_001848.3(COL6A1):c.2548C>A (p.Arg850Ser)

Gene: COL6A1 (collagen type VI alpha 1 chain; plus strand). Cytogenetic location: 21q22.3.
Variant type: single nucleotide variant.
Coding change: c.2548C>A on transcript NM_001848.3 (MANE Select); coding-DNA position 2548, C replaced by A.
Protein change: p.Arg850Ser; replaces arginine 850 with serine.
Molecular consequence: missense variant.
Genome position (GRCh38, 1-based): chr21:46,003,474, C>A. VCF-style: chr21-46003474-C-A. GRCh37 (hg19) VCF-style: chr21-47423388-C-A.
Other names: short protein forms R850S.
Identifiers: ClinVar variation 340328 (VCV000340328.8), dbSNP rs566453317, ClinGen allele CA10070953.
Genomic context (GRCh38, chr21:46,003,474, plus strand): 5'-ATCACCATCCTGCTGGACGGCTCCGCCAGCGTGGGCAGCCACAACTTTGACACCACCAAG[C>A]GCTTCGCCAAGCGCCTGGCCGAGCGCTTCCTCACAGCGGGCAGGACGGACCCCGCCCACG-3'
Protein context (NP_001839.2, residues 840-860): VGSHNFDTTK[Arg850Ser]FAKRLAERFL

ClinVar aggregate classification (germline): Benign/Likely benign. Review status: criteria provided, multiple submitters, no conflicts (2 of 4 stars). 2 submissions from 2 submitters: Benign (1); Likely benign (1). Last evaluated 2023-10-22.

Conditions:
Collagen 6-related myopathy. Identifiers: MedGen CN117976, MONDO:0100225.
Bethlem myopathy 1A. Also called: MYOPATHY, BENIGN CONGENITAL, WITH CONTRACTURES; Bethlem myopathy 1; Bethlem Muscular Dystrophy. Identifiers: Orphanet 610, MedGen CN029274, MONDO:0024530, OMIM 158810.

Allele frequency attached by ClinVar (database versions not stated): gnomAD 0.00003; TOPMed 0.00015; 1000 Genomes Project 30x 0.00016; 1000 Genomes Project 0.00020.
gnomAD v4.1: 53 of 1,608,962 alleles (0.0033%); highest among the groups gnomAD compares: East Asian, 0.082%; no homozygotes.

Submissions (2):

Labcorp Genetics (formerly Invitae), Labcorp
Classification: Benign for Bethlem myopathy 1A. Last evaluated: 2023-10-22. Review status: criteria provided, single submitter. Criteria: Invitae Variant Classification Sherloc (09022015). Collection method: clinical testing. Allele origin: germline.

Illumina Laboratory Services, Illumina
Classification: Likely benign for Collagen VI-related myopathy. Last evaluated: 2017-04-28. Review status: criteria provided, single submitter. Criteria: ICSL Variant Classification Criteria 13 December 2019. Collection method: clinical testing. Allele origin: germline.
Comment: This variant was observed as part of a predisposition screen in an ostensibly healthy population. A literature search was performed for the gene, cDNA change, and amino acid change (where applicable). No publications were found based on this search. Allele frequency data from public databases allowed determination this variant is unlikely to cause disease. Therefore, this variant is classified as likely benign.